The following is an entry in ClinVar:

NM_006231.4(POLE):c.619A>G (p.Thr207Ala)

Gene: POLE (DNA polymerase epsilon, catalytic subunit; minus strand). Cytogenetic location: 12q24.33.
Variant type: single nucleotide variant.
Coding change: c.619A>G on transcript NM_006231.4 (MANE Select); coding-DNA position 619, A replaced by G.
Protein change: p.Thr207Ala; replaces threonine 207 with alanine.
Molecular consequence: missense variant.
Genome position (GRCh38, 1-based): chr12:132,677,679, T>C on the plus strand (A>G on the coding strand, the complement: POLE is on the minus strand). VCF-style: chr12-132677679-T-C. GRCh37 (hg19) VCF-style: chr12-133254265-T-C.
Other names: c.619A>G (NM_006231.2); short protein forms T207A.
Identifiers: ClinVar variation 2125205 (VCV002125205.5), dbSNP rs2136021178, ClinGen allele CA387365311.

ClinVar aggregate classification (germline): Conflicting classifications of pathogenicity. Review status: criteria provided, conflicting classifications (1 of 4 stars). 2 submissions from 2 submitters: Uncertain significance (1); Likely benign (1). Last evaluated 2026-03-23.

Conditions:
Hereditary cancer-predisposing syndrome. Also called: Tumor predisposition; Hereditary Cancer Syndrome; Hereditary neoplastic syndrome; Neoplastic Syndromes, Hereditary. Identifiers: Orphanet 140162, MedGen C0027672, MeSH D009386, MONDO:0015356.

Allele frequency attached by ClinVar (database versions not stated): gnomAD exomes below 0.00001.
gnomAD v4.1: 1 of 1,613,952 alleles (0.000062%); highest among the groups gnomAD compares: Non-Finnish European, 0.000085%; no homozygotes.

Submissions (2):

Ambry Genetics
Classification: Likely benign for Hereditary cancer-predisposing syndrome. Last evaluated: 2026-03-23. Review status: criteria provided, single submitter. Criteria: Ambry Variant Classification Scheme 2023. Collection method: clinical testing. Allele origin: germline.

Labcorp Genetics (formerly Invitae), Labcorp
Classification: Uncertain significance. Last evaluated: 2023-08-10. Review status: criteria provided, single submitter. Criteria: Invitae Variant Classification Sherloc (09022015). Collection method: clinical testing. Allele origin: germline.
Comment: In summary, the available evidence is currently insufficient to determine the role of this variant in disease. Therefore, it has been classified as a Variant of Uncertain Significance. Advanced modeling of protein sequence and biophysical properties (such as structural, functional, and spatial information, amino acid conservation, physicochemical variation, residue mobility, and thermodynamic stability) performed at Invitae indicates that this missense variant is not expected to disrupt POLE protein function. ClinVar contains an entry for this variant (Variation ID: 2125205). This variant has not been reported in the literature in individuals affected with POLE-related conditions. This variant is not present in population databases (gnomAD no frequency). This sequence change replaces threonine, which is neutral and polar, with alanine, which is neutral and non-polar, at codon 207 of the POLE protein (p.Thr207Ala).